The following is an entry in ClinVar:

NM_000363.5(TNNI3):c.567A>G (p.Gly189=)

Gene: TNNI3 (troponin I3, cardiac type; minus strand). Cytogenetic location: 19q13.42.
Variant type: single nucleotide variant.
Coding change: c.567A>G on transcript NM_000363.5 (MANE Select); coding-DNA position 567, A replaced by G.
Protein change: p.Gly189=; no amino-acid change (glycine 189 retained).
Molecular consequence: synonymous variant.
Genome position (GRCh38, 1-based): chr19:55,151,900, T>C on the plus strand (A>G on the coding strand, the complement: TNNI3 is on the minus strand). VCF-style: chr19-55151900-T-C. GRCh37 (hg19) VCF-style: chr19-55663268-T-C.
Other names: c.567A>G (LRG_432t1).
Identifiers: ClinVar variation 629559 (VCV000629559.5), dbSNP rs902161211, ClinGen allele CA310144932.
Genomic context (GRCh38, chr19:55,151,900, plus strand): 5'-CTCAAACTTTTTCTTGCGGCCCTCCATTCCACTCAGTGCATCGATGTTCTTGCGCCAGTC[T>C]CCCACCTCCCGGTTTTCCTGGAGGATGGCGATGAGTCAGAGGTTAGGGTCTCTTCTTGGT-3'
Protein context (NP_000354.4, residues 179-199): EDTEKENREV[Gly189=]DWRKNIDALS

ClinVar aggregate classification (germline): Likely benign. Review status: criteria provided, multiple submitters, no conflicts (2 of 4 stars). 3 submissions from 3 submitters: Likely benign (3). Last evaluated 2024-03-05.

Conditions:
Cardiomyopathy (CMYO). Also called: Cardiomyopathies. Identifiers: Orphanet 167848, MedGen C0878544, MONDO:0004994, HP:0001638. Inheritance: Various modes of inheritance.
Hypertrophic cardiomyopathy. Also called: HYPERTROPHIC MYOCARDIOPATHY. Identifiers: Orphanet 217569, MedGen C0007194, MeSH D002312, MONDO:0005045, HP:0001639.

Submissions (3):

Labcorp Genetics (formerly Invitae), Labcorp
Classification: Likely benign for Hypertrophic cardiomyopathy. Last evaluated: 2024-03-05. Review status: criteria provided, single submitter. Criteria: Invitae Variant Classification Sherloc (09022015). Collection method: clinical testing. Allele origin: germline.

All of Us Research Program, National Institutes of Health
Classification: Likely benign for Hypertrophic cardiomyopathy. Last evaluated: 2023-05-30. Review status: criteria provided, single submitter. Criteria: ACMG Guidelines, 2015. Collection method: clinical testing. Allele origin: germline. Inheritance: Autosomal dominant inheritance. Observed: 1 variant allele, 1 heterozygote.
Comment: This study involves interpretation of variants in research participants for the purpose of population health screening. Participant phenotype was not available at the time of variant classification. Additional details can be found in publication PMID: 35346344, PMCID: PMC8962531

Color Diagnostics, LLC DBA Color Health
Classification: Likely benign for Cardiomyopathy. Last evaluated: 2018-10-16. Review status: criteria provided, single submitter. Criteria: ACMG Guidelines, 2015. Collection method: clinical testing. Allele origin: germline.